The following is an entry in ClinVar:

ClinVar aggregate classification (germline): Pathogenic/Likely pathogenic. Review status: criteria provided, multiple submitters, no conflicts (2 of 4 stars). 2 submissions from 2 submitters: Pathogenic (1); Likely pathogenic (1). Last evaluated 2025-08-29.

Conditions:
Adult hypophosphatasia. Identifiers: Orphanet 247676, Orphanet 436, MedGen C0268413, MONDO:1010154, OMIM 146300, MONDO:0007798.
Childhood hypophosphatasia. Identifiers: Orphanet 247667, Orphanet 436, MedGen C0220743, MONDO:1010168, OMIM 241510, MONDO:0009428.
Infantile hypophosphatasia. Identifiers: Orphanet 247651, Orphanet 436, MedGen C0268412, MONDO:1010169, OMIM 241500, MONDO:0009427.
Hypophosphatasia. Also called: Phosphoethanol-aminuria. Identifiers: Orphanet 436, MedGen C0020630, MeSH D007014, MONDO:0018570.

Submissions (2):

Genomenon, Inc
Classification: Likely pathogenic for Hypophosphatasia. Last evaluated: 2025-08-29. Review status: criteria provided, single submitter. Criteria: Genomenon Sequence Variant Interpretation Standards. Collection method: curation. Allele origin: germline. Affected: yes.
Comment: ALPL c.461C>T is a missense variant that changes the amino acid at residue 154 from Alanine to Valine. This variant has been observed in a proband affected with hypophosphatasia (PMID:30979366). It has been observed in trans with a pathogenic variant (PMID:30979366). It is absent or not present at a significant frequency in gnomAD. In silico models agree that this variant is possibly or probably damaging. In conclusion, we classify ALPL p.Ala154Val (c.461C>T) as a likely pathogenic variant.

Juno Genomics, Hangzhou Juno Genomics, Inc
Classification: Pathogenic for Adult hypophosphatasia; Childhood hypophosphatasia; Infantile hypophosphatasia. Review status: criteria provided, single submitter. Criteria: ACMG Guidelines, 2015. Collection method: clinical testing. Allele origin: germline. Affected: yes.
Comment: Absent from controls (or at extremely low frequency if recessive) in Genome Aggregation Database.;Multiple lines of computational evidence support a deleterious effect on the gene or gene product.;For recessive disorders, detected in trans with a pathogenic variant.;Patient's phenotype or family history is highly specific for a disease with a single genetic etiology.

Literature cited by the submitters: PubMed 30979366 (cited by Genomenon, Inc).

NM_000478.6(ALPL):c.461C>T (p.Ala154Val)

Gene: ALPL (alkaline phosphatase, biomineralization associated; plus strand). Cytogenetic location: 1p36.12.
Variant type: single nucleotide variant.
Coding change: c.461C>T on transcript NM_000478.6 (MANE Select); coding-DNA position 461, C replaced by T.
Protein change: p.Ala154Val; replaces alanine 154 with valine.
Molecular consequence: missense variant.
Genome position (GRCh38, 1-based): chr1:21,563,273, C>T. VCF-style: chr1-21563273-C-T. GRCh37 (hg19) VCF-style: chr1-21889766-C-T.
Other names: c.296C>T, p.Ala99Val (NM_001127501.4); c.230C>T, p.Ala77Val (NM_001177520.3); c.461C>T, p.Ala154Val (NM_001369803.2, NM_001369804.2, NM_001369805.2); short protein forms A154V, A77V, A99V.
Identifiers: ClinVar variation 4086809 (VCV004086809.2).